The following is an entry in ClinVar:

ClinVar aggregate classification (germline): Conflicting classifications of pathogenicity. Review status: criteria provided, conflicting classifications (1 of 4 stars). 2 submissions from 2 submitters: Uncertain significance (1); Likely benign (1). Last evaluated 2021-10-14.

Conditions:
Hypertrophic cardiomyopathy. Also called: HYPERTROPHIC MYOCARDIOPATHY. Identifiers: Orphanet 217569, MedGen C0007194, MeSH D002312, MONDO:0005045, HP:0001639.
Cardiovascular phenotype. Identifiers: MedGen CN230736.

Submissions (2):

Labcorp Genetics (formerly Invitae), Labcorp
Classification: Uncertain significance for Hypertrophic cardiomyopathy. Last evaluated: 2021-10-14. Review status: criteria provided, single submitter. Criteria: Invitae Variant Classification Sherloc (09022015). Collection method: clinical testing. Allele origin: germline.
Comment: Algorithms developed to predict the effect of sequence changes on RNA splicing suggest that this variant is not likely to affect RNA splicing. In summary, the available evidence is currently insufficient to determine the role of this variant in disease. Therefore, it has been classified as a Variant of Uncertain Significance. This variant has not been reported in the literature in individuals affected with MYBPC3-related conditions. This variant is not present in population databases (ExAC no frequency). This sequence change affects codon 284 of the MYBPC3 mRNA. It is a 'silent' change, meaning that it does not change the encoded amino acid sequence of the MYBPC3 protein. It affects a nucleotide within the consensus splice site of the intron.

Ambry Genetics
Classification: Likely benign for Cardiovascular phenotype. Last evaluated: 2019-02-08. Review status: criteria provided, single submitter. Criteria: Ambry Variant Classification Scheme 2023. Collection method: clinical testing. Allele origin: germline.

NM_000256.3(MYBPC3):c.852T>C (p.Ser284=)

Gene: MYBPC3 (myosin binding protein C3; minus strand). Cytogenetic location: 11p11.2.
Variant type: single nucleotide variant.
Coding change: c.852T>C on transcript NM_000256.3 (MANE Select); coding-DNA position 852, T replaced by C.
Protein change: p.Ser284=; no amino-acid change (serine 284 retained).
Molecular consequence: synonymous variant.
Genome position (GRCh38, 1-based): chr11:47,347,479, A>G on the plus strand (T>C on the coding strand, the complement: MYBPC3 is on the minus strand). VCF-style: chr11-47347479-A-G. GRCh37 (hg19) VCF-style: chr11-47369030-A-G.
Identifiers: ClinVar variation 1375204 (VCV001375204.8), dbSNP rs2142865236, ClinGen allele CA474221244.